The following is an entry in ClinVar:

NM_004984.4(KIF5A):c.2539-14G>A

Gene: KIF5A (kinesin family member 5A; plus strand). Cytogenetic location: 12q13.3.
Variant type: single nucleotide variant.
Coding change: c.2539-14G>A on transcript NM_004984.4 (MANE Select); 14 bases into the intron before coding-DNA position 2539, G replaced by A.
Molecular consequence: intron variant.
Genome position (GRCh38, 1-based): chr12:57,580,942, G>A. VCF-style: chr12-57580942-G-A. GRCh37 (hg19) VCF-style: chr12-57974725-G-A.
Other names: c.2272-14G>A (NM_001354705.2).
Identifiers: ClinVar variation 2862413 (VCV002862413.3), dbSNP rs2540514526, ClinGen allele CA2739272118.

ClinVar aggregate classification (germline): Uncertain significance (1 of 4 stars; one submission).

Conditions:
Spastic paraplegia. Identifiers: MedGen C0037772, HP:0001258.

Submission:

Labcorp Genetics (formerly Invitae), Labcorp
Classification: Uncertain significance for Spastic paraplegia. Last evaluated: 2023-05-07. Review status: criteria provided, single submitter. Criteria: Invitae Variant Classification Sherloc (09022015). Collection method: clinical testing. Allele origin: germline.
Comment: In summary, the available evidence is currently insufficient to determine the role of this variant in disease. Therefore, it has been classified as a Variant of Uncertain Significance. Algorithms developed to predict the effect of sequence changes on RNA splicing suggest that this variant may disrupt the consensus splice site. This variant has not been reported in the literature in individuals affected with KIF5A-related conditions. This variant is not present in population databases (gnomAD no frequency). This sequence change falls in intron 23 of the KIF5A gene. It does not directly change the encoded amino acid sequence of the KIF5A protein.